The following is an entry in ClinVar:

ClinVar aggregate classification (germline): Uncertain significance. Review status: criteria provided, multiple submitters, no conflicts (2 of 4 stars). 3 submissions from 3 submitters: Uncertain significance (2). 1 of the submissions does not count toward it. Last evaluated 2024-03-11.

Conditions:
Propionic acidemia (PROP). Also called: GLYCINEMIA, KETOTIC; HYPERGLYCINEMIA WITH KETOACIDOSIS AND LEUKOPENIA; KETOTIC HYPERGLYCINEMIA. Identifiers: Orphanet 35, MedGen C0268579, MONDO:0011628, OMIM 606054, HP:0003571.

Allele frequency attached by ClinVar (database versions not stated): gnomAD exomes 0.00001 and 0.00004; ExAC 0.00007; ESP Exome Variant Server 0.00008; TOPMed 0.00008; gnomAD 0.00009 and 0.00010.
gnomAD v4.1: 23 of 1,605,582 alleles (0.0014%); highest among the groups gnomAD compares: African/African-American, 0.027%; no homozygotes.

Submissions (3):

Mayo Clinic Laboratories, Mayo Clinic
Classification: Uncertain significance. Last evaluated: 2024-03-11. Review status: criteria provided, single submitter. Criteria: ACMG Guidelines, 2015. Collection method: clinical testing. Allele origin: germline. Observed: 1 variant allele.

Labcorp Genetics (formerly Invitae), Labcorp
Classification: Uncertain significance for Propionic acidemia. Last evaluated: 2022-04-23. Review status: criteria provided, single submitter. Criteria: Invitae Variant Classification Sherloc (09022015). Collection method: clinical testing. Allele origin: germline.
Comment: This sequence change replaces valine, which is neutral and non-polar, with methionine, which is neutral and non-polar, at codon 507 of the PCCA protein (p.Val507Met). This variant is present in population databases (rs146061036, gnomAD 0.04%). This variant has not been reported in the literature in individuals affected with PCCA-related conditions. ClinVar contains an entry for this variant (Variation ID: 937344). Algorithms developed to predict the effect of missense changes on protein structure and function are either unavailable or do not agree on the potential impact of this missense change (SIFT: "Deleterious"; PolyPhen-2: "Benign"; Align-GVGD: "Class C15"). In summary, the available evidence is currently insufficient to determine the role of this variant in disease. Therefore, it has been classified as a Variant of Uncertain Significance.

Natera, Inc.
Classification: Uncertain significance for Propionic acidemia. Last evaluated: 2021-04-20. Review status: no assertion criteria provided. Collection method: clinical testing. Allele origin: germline. Not counted in ClinVar's aggregate classification.

NM_000282.4(PCCA):c.1519G>A (p.Val507Met)

Gene: PCCA (propionyl-CoA carboxylase subunit alpha; plus strand). Cytogenetic location: 13q32.3.
Variant type: single nucleotide variant.
Coding change: c.1519G>A on transcript NM_000282.4 (MANE Select); coding-DNA position 1519, G replaced by A.
Protein change: p.Val507Met; replaces valine 507 with methionine.
Molecular consequence: missense variant. On other transcripts: non-coding transcript variant (5).
Genome position (GRCh38, 1-based): chr13:100,330,650, G>A. VCF-style: chr13-100330650-G-A. GRCh37 (hg19) VCF-style: chr13-100982904-G-A.
Other names: p.Val507Met; c.1441G>A, p.Val481Met (NM_001127692.3, NM_001352607.2); c.1519G>A, p.Val507Met (NM_001178004.2, NM_001352605.2, NM_001352609.2); c.1375G>A, p.Val459Met (NM_001352606.2); c.1297G>A, p.Val433Met (NM_001352608.2); c.574G>A, p.Val192Met (NM_001352610.2, NM_001352611.2); c.430G>A, p.Val144Met (NM_001352612.2); short protein forms V144M, V192M, V433M, V459M, V481M, V507M.
Identifiers: ClinVar variation 937344 (VCV000937344.10), dbSNP rs146061036, ClinGen allele CA7033690.
Genomic context (GRCh38, chr13:100,330,650, plus strand): 5'-GAGGTGATAATCAACTCACGCTTTGTAAAAGGAGACATCAGCACTAAATTTCTCTCCGAT[G>A]TGTATCCTGATGGCTTCAAAGGTTTGTATGCATTAAAATATTTTAGTGTTTTAAAGTTGT-3'
Protein context (NP_000273.2, residues 497-517): GDISTKFLSD[Val507Met]YPDGFKGHML